The following is an entry in ClinVar:

ClinVar aggregate classification (germline): Uncertain significance. Review status: criteria provided, multiple submitters, no conflicts (2 of 4 stars). 2 submissions from 2 submitters: Uncertain significance (2). Last evaluated 2024-05-13.

Allele frequency attached by ClinVar (database versions not stated): ExAC 0.00004; TOPMed 0.00007; gnomAD 0.00009; gnomAD exomes 0.00011; ESP Exome Variant Server 0.00015; 1000 Genomes Project 0.00020; 1000 Genomes Project 30x 0.00031.
gnomAD v4.1: 176 of 1,614,238 alleles (0.011%); highest among the groups gnomAD compares: Non-Finnish European, 0.014%; no homozygotes.

Submissions (2):

Labcorp Genetics (formerly Invitae), Labcorp
Classification: Uncertain significance. Last evaluated: 2024-05-13. Review status: criteria provided, single submitter. Criteria: Invitae Variant Classification Sherloc (09022015). Collection method: clinical testing. Allele origin: germline.
Comment: This sequence change replaces proline, which is neutral and non-polar, with serine, which is neutral and polar, at codon 3763 of the TRRAP protein (p.Pro3763Ser). This variant is present in population databases (rs145490453, gnomAD 0.01%). This variant has not been reported in the literature in individuals affected with TRRAP-related conditions. ClinVar contains an entry for this variant (Variation ID: 2066223). An algorithm developed to predict the effect of missense changes on protein structure and function (PolyPhen-2) suggests that this variant¬†is likely to be tolerated. In summary, the available evidence is currently insufficient to determine the role of this variant in disease. Therefore, it has been classified as a Variant of Uncertain Significance.

Revvity Omics, Revvity
Classification: Uncertain significance. Last evaluated: 2023-04-11. Review status: criteria provided, single submitter. Criteria: ACMG Guidelines, 2015. Collection method: clinical testing. Allele origin: germline.

NM_001375524.1(TRRAP):c.11416C>T (p.Pro3806Ser)

Gene: TRRAP (transformation/transcription domain associated protein; plus strand). Cytogenetic location: 7q22.1.
Variant type: single nucleotide variant.
Coding change: c.11416C>T on transcript NM_001375524.1 (MANE Select); coding-DNA position 11416, C replaced by T.
Protein change: p.Pro3806Ser; replaces proline 3806 with serine.
Molecular consequence: missense variant.
Genome position (GRCh38, 1-based): chr7:99,012,149, C>T. VCF-style: chr7-99012149-C-T. GRCh37 (hg19) VCF-style: chr7-98609772-C-T.
Other names: c.11287C>T (NM_003496.3); c.11374C>T, p.Pro3792Ser (NM_001244580.2); c.11287C>T, p.Pro3763Ser (NM_003496.4); short protein forms P3763S, P3806S, P3792S.
Identifiers: ClinVar variation 2066223 (VCV002066223.5), dbSNP rs145490453, ClinGen allele CA4362172.
Genomic context (GRCh38, chr7:99,012,149, plus strand): 5'-ACGGTTCTCCGGGACGAGATCATTGCTTGGCACAAAAAAACACAAGAGGACACGTCCTCT[C>T]CTCTCTCGGCCGCCGGGCAGCCAGAGAACATGGACAGCCAGCAACTGGTGTCCCTGGTTC-3'
Protein context (NP_001362453.1, residues 3796-3816): HKKTQEDTSS[Pro3806Ser]LSAAGQPENM